The following is an entry in ClinVar:

NM_020944.3(GBA2):c.1528_1529del (p.Met510fs)

Gene: GBA2 (glucosylceramidase beta 2; minus strand). Cytogenetic location: 9p13.3.
Variant type: Deletion.
Coding change: c.1528_1529del on transcript NM_020944.3 (MANE Select); coding-DNA positions 1528 to 1529, 2 bases deleted (AT; older notation c.1528_1529delAT).
Protein change: p.Met510fs; shifts the reading frame from methionine 510.
Molecular consequence: frameshift variant.
Genome position (GRCh38, 1-based): chr9:35,739,681-35,739,682, AT deleted on the plus strand (AT on the coding strand, the reverse complement: GBA2 is on the minus strand). VCF-style (leftmost placement, unchanged base first): chr9-35739680-CAT-C. GRCh37 (hg19) VCF-style: chr9-35739677-CAT-C.
Other names: c.1528_1529del, p.Met510fs (NM_001330660.2); short protein forms M510fs.
Identifiers: ClinVar variation 2093512 (VCV002093512.4), dbSNP rs779331792, ClinGen allele CA5050381.
Genomic context (GRCh38, chr9:35,739,680, plus strand): 5'-TCCTGTACCCTCAAGGTAGCCAAATCGACCGTAGTCCCGTAGGGTGGGGCGGAGGTGACA[CAT>C]GTTTCTGCCCAGCTCCTCTGGTAGGGAGTCCTCAAGAACTTCCAGCCACACTGTGCCTCC-3'

ClinVar aggregate classification (germline): Pathogenic (1 of 4 stars; one submission).

Conditions:
Spastic paraplegia. Identifiers: MedGen C0037772, HP:0001258.

Allele frequency attached by ClinVar (database versions not stated): gnomAD 0.00002; gnomAD exomes 0.00002; ExAC 0.00003; TOPMed 0.00003.

Submission:

Labcorp Genetics (formerly Invitae), Labcorp
Classification: Pathogenic for Spastic paraplegia. Last evaluated: 2024-03-07. Review status: criteria provided, single submitter. Criteria: Invitae Variant Classification Sherloc (09022015). Collection method: clinical testing. Allele origin: germline.
Comment: This sequence change creates a premature translational stop signal (p.Met510Valfs*17) in the GBA2 gene. It is expected to result in an absent or disrupted protein product. Loss-of-function variants in GBA2 are known to be pathogenic (PMID: 23332916, 23332917). This variant is present in population databases (rs779331792, gnomAD 0.003%). This premature translational stop signal has been observed in individual(s) with clinical features of GBA2-related conditions (PMID: 28052128). ClinVar contains an entry for this variant (Variation ID: 2093512). For these reasons, this variant has been classified as Pathogenic.

Literature cited by the submitters: PubMed 23332916; PubMed 23332917; PubMed 28052128.